The following is an entry in ClinVar:

NM_004278.4(PIGL):c.263G>A (p.Arg88His)

Gene: PIGL (phosphatidylinositol glycan anchor biosynthesis class L; plus strand). Cytogenetic location: 17p11.2.
Variant type: single nucleotide variant.
Coding change: c.263G>A on transcript NM_004278.4 (MANE Select); coding-DNA position 263, G replaced by A.
Protein change: p.Arg88His; replaces arginine 88 with histidine.
Molecular consequence: missense variant.
Genome position (GRCh38, 1-based): chr17:16,233,998, G>A. VCF-style: chr17-16233998-G-A. GRCh37 (hg19) VCF-style: chr17-16137312-G-A.
Other names: short protein forms R88H.
Identifiers: ClinVar variation 638452 (VCV000638452.12), dbSNP rs755380500, ClinGen allele CA8409811.

ClinVar aggregate classification (germline): Uncertain significance. Review status: criteria provided, multiple submitters, no conflicts (2 of 4 stars). 4 submissions from 4 submitters: Uncertain significance (4). Last evaluated 2024-05-07.

Conditions:
CHIME syndrome (CHIME). Also called: GLYCOSYLPHOSPHATIDYLINOSITOL BIOSYNTHESIS DEFECT 5; COLOBOMA, CONGENITAL HEART DISEASE, ICHTHYOSIFORM DERMATOSIS, IMPAIRED INTELLECTUAL DEVELOPMENT, AND EAR ANOMALIES SYNDROME. Identifiers: Orphanet 3474, MedGen C1848392, MONDO:0010221, OMIM 280000.

Allele frequency attached by ClinVar (database versions not stated): gnomAD 0.00003 and 0.00004; gnomAD exomes 0.00003 and 0.00001; TOPMed 0.00003; ExAC 0.00002.

Submissions (4):

Blueprint Genetics
Classification: Uncertain significance. Last evaluated: 2024-05-07. Review status: criteria provided, single submitter. Criteria: ACMG Guidelines, 2015. Collection method: clinical testing. Allele origin: germline.

Labcorp Genetics (formerly Invitae), Labcorp
Classification: Uncertain significance. Last evaluated: 2021-08-24. Review status: criteria provided, single submitter. Criteria: Invitae Variant Classification Sherloc (09022015). Collection method: clinical testing. Allele origin: germline.
Comment: This sequence change replaces arginine with histidine at codon 88 of the PIGL protein (p.Arg88His). The arginine residue is highly conserved and there is a small physicochemical difference between arginine and histidine. This variant is present in population databases (rs755380500, ExAC 0.003%). This variant has not been reported in the literature in individuals affected with PIGL-related conditions. ClinVar contains an entry for this variant (Variation ID: 638452). Algorithms developed to predict the effect of missense changes on protein structure and function (SIFT, PolyPhen-2, Align-GVGD) all suggest that this variant is likely to be disruptive. In summary, the available evidence is currently insufficient to determine the role of this variant in disease. Therefore, it has been classified as a Variant of Uncertain Significance.

Centre for Mendelian Genomics, University Medical Centre Ljubljana
Classification: Uncertain significance for CHIME syndrome. Last evaluated: 2019-10-30. Review status: criteria provided, single submitter. Criteria: ACMG Guidelines, 2015. Collection method: clinical testing. Allele origin: unknown. Affected: yes.
Comment: This variant was classified as: Uncertain significance. The available evidence on this variant's pathogenicity is insufficient or conflicting. The following ACMG criteria were applied in classifying this variant: PM2,PP3.

Genomic Research Center, Shahid Beheshti University of Medical Sciences
Classification: Uncertain significance for Zunich neuroectodermal syndrome. Last evaluated: 2019-04-27. Review status: criteria provided, single submitter. Criteria: ACMG Guidelines, 2015. Collection method: clinical testing. Allele origin: unknown. Affected: no.